The following is an entry in ClinVar:

ClinVar aggregate classification (germline): Uncertain significance (1 of 4 stars; one submission).

Allele frequency attached by ClinVar (database versions not stated): gnomAD exomes 0.00001; TOPMed 0.00001; gnomAD 0.00002.
gnomAD v4.1: 10 of 1,613,946 alleles (0.00062%); highest among the groups gnomAD compares: African/African-American, 0.0053%; no homozygotes.

Submission:

Labcorp Genetics (formerly Invitae), Labcorp
Classification: Uncertain significance. Last evaluated: 2022-01-13. Review status: criteria provided, single submitter. Criteria: Invitae Variant Classification Sherloc (09022015). Collection method: clinical testing. Allele origin: germline.
Comment: ClinVar contains an entry for this variant (Variation ID: 956295). This sequence change replaces phenylalanine, which is neutral and non-polar, with leucine, which is neutral and non-polar, at codon 1031 of the RBP3 protein (p.Phe1031Leu). This variant is not present in population databases (gnomAD no frequency). This variant has not been reported in the literature in individuals affected with RBP3-related conditions. Algorithms developed to predict the effect of missense changes on protein structure and function (SIFT, PolyPhen-2, Align-GVGD) all suggest that this variant is likely to be tolerated. In summary, the available evidence is currently insufficient to determine the role of this variant in disease. Therefore, it has been classified as a Variant of Uncertain Significance.

NM_002900.3(RBP3):c.3091T>C (p.Phe1031Leu)

Gene: RBP3 (retinol binding protein 3; plus strand). Cytogenetic location: 10q11.22.
Variant type: single nucleotide variant.
Coding change: c.3091T>C on transcript NM_002900.3 (MANE Select); coding-DNA position 3091, T replaced by C.
Protein change: p.Phe1031Leu; replaces phenylalanine 1031 with leucine.
Molecular consequence: missense variant.
Genome position (GRCh38, 1-based): chr10:47,353,361, T>C. VCF-style: chr10-47353361-T-C. GRCh37 (hg19) VCF-style: chr10-48386001-A-G.
Other names: short protein forms F1031L.
Identifiers: ClinVar variation 956295 (VCV000956295.7), dbSNP rs1300784216, ClinGen allele CA376676362.